The following is an entry in ClinVar:

ClinVar aggregate classification (germline): Uncertain significance (1 of 4 stars; one submission).

Conditions:
Fanconi anemia (FA). Also called: Fanconi's anemia. Identifiers: Orphanet 84, MedGen C0015625, MeSH D005199, MONDO:0019391.

gnomAD v4.1: 137 of 1,614,068 alleles (0.0085%); highest among the groups gnomAD compares: Non-Finnish European, 0.00017%; 2 homozygotes.

Submission:

Labcorp Genetics (formerly Invitae), Labcorp
Classification: Uncertain significance for Fanconi anemia. Last evaluated: 2024-04-15. Review status: criteria provided, single submitter. Criteria: Invitae Variant Classification Sherloc (09022015). Collection method: clinical testing. Allele origin: germline.
Comment: This sequence change replaces alanine, which is neutral and non-polar, with glycine, which is neutral and non-polar, at codon 63 of the FANCG protein (p.Ala63Gly). This variant is present in population databases (rs755196986, gnomAD 0.2%). This variant has not been reported in the literature in individuals affected with FANCG-related conditions. Advanced modeling of protein sequence and biophysical properties (such as structural, functional, and spatial information, amino acid conservation, physicochemical variation, residue mobility, and thermodynamic stability) has been performed at Invitae for this missense variant, however the output from this modeling did not meet the statistical confidence thresholds required to predict the impact of this variant on FANCG protein function. In summary, the available evidence is currently insufficient to determine the role of this variant in disease. Therefore, it has been classified as a Variant of Uncertain Significance.

NM_004629.2(FANCG):c.188C>G (p.Ala63Gly)

Gene: FANCG (FA complementation group G; minus strand). Cytogenetic location: 9p13.3.
Variant type: single nucleotide variant.
Coding change: c.188C>G on transcript NM_004629.2 (MANE Select); coding-DNA position 188, C replaced by G.
Protein change: p.Ala63Gly; replaces alanine 63 with glycine.
Molecular consequence: missense variant.
Genome position (GRCh38, 1-based): chr9:35,078,724, G>C on the plus strand (C>G on the coding strand, the complement: FANCG is on the minus strand). VCF-style: chr9-35078724-G-C. GRCh37 (hg19) VCF-style: chr9-35078721-G-C.
Other names: short protein forms A63G.
Identifiers: ClinVar variation 3727094 (VCV003727094.2).
Genomic context (GRCh38, chr9:35,078,724, plus strand): 5'-CTTGCCCTCAGGATAATGAAGTTGCAGGTGACAGTCAGCTCCAAGGGAAGAACAGGAACA[G>C]CTGCAGGGAGCCCTGGAGCAACAATGTTGGTCTTACAGACTGCTCCCCCATGGAAGATCC-3'
Protein context (NP_004620.1, residues 53-73): LLHSLQGLPA[Ala63Gly]VPVLPLELTV